The following is an entry in ClinVar:

ClinVar aggregate classification (germline): Uncertain significance (1 of 4 stars; one submission).

Conditions:
Inborn genetic diseases. Identifiers: MedGen C0950123, MeSH D030342.

gnomAD v4.1: 1 of 1,614,100 alleles (0.000062%); highest among the groups gnomAD compares: Non-Finnish European, 0.000085%; no homozygotes.

Submission:

Ambry Genetics
Classification: Uncertain significance for Inborn genetic diseases. Last evaluated: 2026-07-02. Review status: criteria provided, single submitter. Criteria: Ambry Variant Classification Scheme 2023. Collection method: clinical testing. Allele origin: germline.
Comment: The p.C973R variant (also known as c.2917T>C), located in coding exon 30 of the FANCA gene, results from a T to C substitution at nucleotide position 2917. The cysteine at codon 973 is replaced by arginine, an amino acid with highly dissimilar properties. This amino acid position is conserved. In addition, this alteration is predicted to be deleterious by in silico analysis. Based on the available evidence, the clinical significance of this variant remains unclear.

NM_000135.4(FANCA):c.2917T>C (p.Cys973Arg)

Gene: FANCA (FA complementation group A; minus strand). Cytogenetic location: 16q24.3.
Variant type: single nucleotide variant.
Coding change: c.2917T>C on transcript NM_000135.4 (MANE Select); coding-DNA position 2917, T replaced by C.
Protein change: p.Cys973Arg; replaces cysteine 973 with arginine.
Molecular consequence: missense variant.
Genome position (GRCh38, 1-based): chr16:89,758,641, A>G on the plus strand (T>C on the coding strand, the complement: FANCA is on the minus strand). VCF-style: chr16-89758641-A-G. GRCh37 (hg19) VCF-style: chr16-89825049-A-G.
Other names: c.2917T>C, p.Cys973Arg (NM_001286167.3); short protein forms C973R.
Identifiers: ClinVar variation 5036334 (VCV005036334.1).